The following is an entry in ClinVar:

ClinVar aggregate classification (germline): Uncertain significance (1 of 4 stars; one submission).

gnomAD v4.1: 5 of 1,550,314 alleles (0.00032%); highest among the groups gnomAD compares: Non-Finnish European, 0.00044%; no homozygotes.

Submission:

Labcorp Genetics (formerly Invitae), Labcorp
Classification: Uncertain significance. Last evaluated: 2023-12-16. Review status: criteria provided, single submitter. Criteria: Invitae Variant Classification Sherloc (09022015). Collection method: clinical testing. Allele origin: germline.
Comment: This sequence change replaces isoleucine, which is neutral and non-polar, with leucine, which is neutral and non-polar, at codon 1227 of the ERBIN protein (p.Ile1227Leu). The frequency data for this variant in the population databases is considered unreliable, as metrics indicate poor data quality at this position in the gnomAD database. This variant has not been reported in the literature in individuals affected with ERBIN-related conditions. An algorithm developed to predict the effect of missense changes on protein structure and function (PolyPhen-2) suggests that this variant is likely to be tolerated. In summary, the available evidence is currently insufficient to determine the role of this variant in disease. Therefore, it has been classified as a Variant of Uncertain Significance.

NM_001253697.2(ERBIN):c.3679A>T (p.Ile1227Leu)

Gene: ERBIN (erbb2 interacting protein; plus strand). Cytogenetic location: 5q12.3.
Variant type: single nucleotide variant.
Coding change: c.3679A>T on transcript NM_001253697.2 (MANE Select); coding-DNA position 3679, A replaced by T.
Protein change: p.Ile1227Leu; replaces isoleucine 1227 with leucine.
Molecular consequence: missense variant. On other transcripts: intron variant (5).
Genome position (GRCh38, 1-based): chr5:66,072,214, A>T. VCF-style: chr5-66072214-A-T. GRCh37 (hg19) VCF-style: chr5-65368042-A-T.
Other names: c.3778-2810A>T (NM_001253699.2); c.3634-2810A>T (NM_018695.4, NM_001253698.2); c.3634-4102A>T (NM_001006600.3); c.3622-2810A>T (NM_001253701.2); short protein forms I1227L.
Identifiers: ClinVar variation 2796569 (VCV002796569.3), dbSNP rs1227589532, ClinGen allele CA359870702.